The following is an entry in ClinVar:

ClinVar aggregate classification (germline): Benign (1 of 4 stars; one submission).

Submission:

GeneDx
Classification: Benign. Last evaluated: 2018-06-18. Review status: criteria provided, single submitter. Criteria: GeneDx Variant Classification (06012015). Collection method: clinical testing. Allele origin: germline. Affected: yes.
Comment: This variant is considered likely benign or benign based on one or more of the following criteria: it is a conservative change, it occurs at a poorly conserved position in the protein, it is predicted to be benign by multiple in silico algorithms, and/or has population frequency not consistent with disease.

NM_013382.7(POMT2):c.1654-248_1654-242dup

Gene: POMT2 (protein O-mannosyltransferase 2; minus strand). Cytogenetic location: 14q24.3.
Variant type: Duplication.
Coding change: c.1654-248_1654-242dup on transcript NM_013382.7 (MANE Select); 248 bases into the intron before coding-DNA position 1654 through 242 bases into the intron before coding-DNA position 1654, 7 bases duplicated (TCTTTCC; older notation c.1654-248_1654-242dupTCTTTCC).
Molecular consequence: intron variant.
Genome position (GRCh38, 1-based): chr14:77,280,705-77,280,711, GGAAAGA duplicated on the plus strand (TCTTTCC on the coding strand, the reverse complement: POMT2 is on the minus strand); duplicating any 7 consecutive bases within chr14:77,280,705-77,280,716 gives the same sequence; the c. name uses the placement nearest the transcript's 3' end. VCF-style (leftmost placement, unchanged base first): chr14-77280704-G-GGGAAAGA. GRCh37 (hg19) VCF-style: chr14-77747047-G-GGGAAAGA.
Identifiers: ClinVar variation 683964 (VCV000683964.1), dbSNP rs112591735, ClinGen allele CA263819886.